The following is an entry in ClinVar:

NM_001953.5(TYMP):c.152delinsCTCCCATTCACCAC (p.Glu51fs)

Gene: TYMP (thymidine phosphorylase; minus strand). Cytogenetic location: 22q13.33.
Variant type: Indel.
Coding change: c.152delinsCTCCCATTCACCAC on transcript NM_001953.5 (MANE Select); coding-DNA position 152, A replaced by CTCCCATTCACCAC.
Protein change: p.Glu51fs; shifts the reading frame from glutamic acid 51.
Molecular consequence: frameshift variant.
Genome position (GRCh38, 1-based): chr22:50,529,558, T replaced by GTGGTGAATGGGAG on the plus strand (A replaced by CTCCCATTCACCAC on the coding strand, the reverse complement: TYMP is on the minus strand). VCF-style: chr22-50529558-T-GTGGTGAATGGGAG. GRCh37 (hg19) VCF-style: chr22-50967987-T-GTGGTGAATGGGAG.
Other names: c.152delinsCTCCCATTCACCAC, p.Glu51fs (NM_001113755.3, NM_001113756.3, NM_001257988.1 and 1 more transcripts); short protein forms E51fs.
Identifiers: ClinVar variation 5010486 (VCV005010486.1).

ClinVar aggregate classification (germline): Pathogenic (1 of 4 stars; one submission).

Conditions:
Mitochondrial DNA depletion syndrome 1. Also called: POLIP SYNDROME; POLYNEUROPATHY, OPHTHALMOPLEGIA, LEUKOENCEPHALOPATHY, AND INTESTINAL PSEUDOOBSTRUCTION; Mitochondrial Neurogastrointestinal Encephalopathy Disease; MITOCHONDRIAL NEUROGASTROINTESTINAL ENCEPHALOPATHY SYNDROME, TYMP-RELATED; MNGIE, TYMP-RELATED; Mitochondrial neurogastrointestinal encephalomyopathy syndrome. Identifiers: Orphanet 298, MedGen C4551995, MONDO:0011283, OMIM 603041.

Submission:

Myriad Genetics, Inc.
Classification: Pathogenic for Mitochondrial DNA depletion syndrome 1. Last evaluated: 2026-03-19. Review status: criteria provided, single submitter. Criteria: Myriad Autosomal Dominant, Autosomal Recessive and X-Linked Classification Criteria (2023). Collection method: clinical testing. Allele origin: unknown.
Comment: NM_001953.4(TYMP):c.152del1ins14(E51Afs*77) is expected to be pathogenic in the context of mitochondrial neurogastrointestinal encephalopathy disease. This variant is predicted to lead to an abnormal or absent protein product due to the creation of a premature termination codon in TYMP, a gene where loss-of-function variants are known to be pathogenic. Please note: this variant was assessed in the context of healthy population screening.